The following is an entry in ClinVar:

ClinVar aggregate classification (germline): Likely benign (1 of 4 stars; one submission).

Allele frequency attached by ClinVar (database versions not stated): gnomAD 0.00010; TOPMed 0.00012; gnomAD exomes 0.00013; 1000 Genomes Project 30x 0.00016; ExAC 0.00019; 1000 Genomes Project 0.00020; ESP Exome Variant Server 0.00038.
gnomAD v4.1: 222 of 1,612,602 alleles (0.014%); highest among the groups gnomAD compares: Middle Eastern, 0.35%; no homozygotes.

Submission:

CeGaT Center for Human Genetics Tuebingen
Classification: Likely benign. Last evaluated: 2023-01-01. Review status: criteria provided, single submitter. Criteria: CeGaT Center For Human Genetics Tuebingen Variant Classification Criteria Version 2. Collection method: clinical testing. Allele origin: germline. Affected: yes. Observed: 1 variant allele.
Comment: SIM2: BP4, BP7

NM_005069.6(SIM2):c.1536G>A (p.Pro512=)

Gene: SIM2 (SIM bHLH transcription factor 2; plus strand). Cytogenetic location: 21q22.13.
Variant type: single nucleotide variant.
Coding change: c.1536G>A on transcript NM_005069.6 (MANE Select); coding-DNA position 1536, G replaced by A.
Protein change: p.Pro512=; no amino-acid change (proline 512 retained).
Molecular consequence: synonymous variant.
Genome position (GRCh38, 1-based): chr21:36,745,096, G>A. VCF-style: chr21-36745096-G-A. GRCh37 (hg19) VCF-style: chr21-38117397-G-A.
Other names: c.1536G>A, p.Pro512= (NM_009586.5).
Identifiers: ClinVar variation 2652651 (VCV002652651.24), dbSNP rs148338000, ClinGen allele CA10020118.